The following is an entry in ClinVar:

NC_000002.11:g.89427986_90240473dup

Variant type: Duplication.
Identifiers: ClinVar variation 156793 (VCV000156793.2).

ClinVar aggregate classification (germline): not provided. Review status: no classification provided (0 of 4 stars). 2 submissions from 1 submitter: not provided (2).

Conditions:
Preeclampsia. Identifiers: Orphanet 275555, MedGen C0032914, MONDO:0005081, HP:0100602.
Large for gestational age. Identifiers: MedGen C1848395, HP:0001520.

Submissions (2):

Institute of Molecular and Cell Biology, University of Tartu
No classification provided. Condition: Preeclampsia. Review status: no classification provided. Collection method: case-control. Allele origin: unknown. Affected: yes. Study: Kasak2014.
Comment: The study aimed to determine the contribution of copy number variants in the genetic etiology of normal and complicated pregnancies. The samples represented (i) maternal blood DNA drawn from healthy pregnant women during 1st or 2nd trimester and (ii) maternal and paternal blood DNA drawn at term pregnancy cases representing normal and complicated gestations (severe preeclampsia, PE; gestational diabetes, GD; small-for-gestational age newborn, SGA; large-for-gestational age newborn, LGA). We performed CNV calling based on genome-wide genotyping dataset (Illumina HumanOmniExpress-24-v1 BeadChip) by applying three algorithms, QuantiSNP, GADA (Genome Alteration Detection Algorithm) and CNstream in parallel. The acquired CNV calls were merged with HD-CNV (Hotspot Detector for Copy Number Variants) program and only the CNVs predicted by at least two programs, were considered in subsequent analysis.

Institute of Molecular and Cell Biology, University of Tartu
No classification provided. Condition: Large for gestational age. Review status: no classification provided. Collection method: case-control. Allele origin: unknown. Affected: yes. Study: Kasak2014.
Comment: the same text as in the submission from Institute of Molecular and Cell Biology, University of Tartu above.

Literature cited by the submitters: PubMed 25666259.